The following is an entry in ClinVar:

NM_001083962.2(TCF4):c.259T>C (p.Ser87Pro)

Genes: TCF4 (transcription factor 4; minus strand), TCF4-AS1 (TCF4 antisense RNA 1; plus strand). Cytogenetic location: 18q21.2.
Variant type: single nucleotide variant.
Coding change: c.259T>C on transcript NM_001083962.2 (MANE Select); coding-DNA position 259, T replaced by C.
Protein change: p.Ser87Pro; replaces serine 87 with proline.
Molecular consequence: missense variant.
Genome position (GRCh38, 1-based): chr18:55,461,064, A>G on the plus strand (T>C on the coding strand, the complement: TCF4 is on the minus strand). VCF-style: chr18-55461064-A-G. GRCh37 (hg19) VCF-style: chr18-53128295-A-G.
Other names: c.187T>C, p.Ser63Pro (NM_001348218.2, NM_001348219.2, NM_001348220.1 and 15 more transcripts); c.259T>C, p.Ser87Pro (NM_001369567.1, NM_001369568.1, NM_001369569.1 and 8 more transcripts); c.565T>C, p.Ser189Pro (NM_001243226.3); c.253T>C, p.Ser85Pro (NM_001243230.2); c.133T>C, p.Ser45Pro (NM_001243231.2, NM_001348211.2); short protein forms S189P, S45P, S63P, S87P, S85P.
Identifiers: ClinVar variation 2824148 (VCV002824148.3), dbSNP rs2513637764, ClinGen allele CA402703538.
Genomic context (GRCh38, chr18:55,461,064, plus strand): 5'-TAAAATGGGTCTTACTTTGTATTCTGGAATTGACAAAAGGTGGAGAGAGATTGTCATGTG[A>G]CCCAAGGTCCCTGCTGGTCATGTGGTCATAGGGAGTCCCATCTCCATAGTTCTGTAAATA-3'
Protein context (NP_001077431.1, residues 77-97): YDHMTSRDLG[Ser87Pro]HDNLSPPFVN

ClinVar aggregate classification (germline): Uncertain significance (1 of 4 stars; one submission).

Conditions:
Pitt-Hopkins syndrome (PTHS). Also called: ENCEPHALOPATHY, SEVERE EPILEPTIC, WITH AUTONOMIC DYSFUNCTION; MENTAL RETARDATION, SYNDROMAL, WITH INTERMITTENT HYPERVENTILATION. Identifiers: Orphanet 2896, MedGen C1970431, MONDO:0012589, OMIM 610954.

Submission:

Labcorp Genetics (formerly Invitae), Labcorp
Classification: Uncertain significance for Pitt-Hopkins syndrome. Last evaluated: 2025-03-06. Review status: criteria provided, single submitter. Criteria: Invitae Variant Classification Sherloc (09022015). Collection method: clinical testing. Allele origin: germline.
Comment: This sequence change replaces serine, which is neutral and polar, with proline, which is neutral and non-polar, at codon 87 of the TCF4 protein (p.Ser87Pro). This variant is not present in population databases (gnomAD no frequency). This variant has not been reported in the literature in individuals affected with TCF4-related conditions. ClinVar contains an entry for this variant (Variation ID: 2824148). Invitae Evidence Modeling of protein sequence and biophysical properties (such as structural, functional, and spatial information, amino acid conservation, physicochemical variation, residue mobility, and thermodynamic stability) indicates that this missense variant is not expected to disrupt TCF4 protein function with a negative predictive value of 95%. In summary, the available evidence is currently insufficient to determine the role of this variant in disease. Therefore, it has been classified as a Variant of Uncertain Significance.